The following is an entry in ClinVar:

NM_004859.4(CLTC):c.1537G>A (p.Asp513Asn)

Gene: CLTC (clathrin heavy chain; plus strand). Cytogenetic location: 17q23.1.
Variant type: single nucleotide variant.
Coding change: c.1537G>A on transcript NM_004859.4 (MANE Select); coding-DNA position 1537, G replaced by A.
Protein change: p.Asp513Asn; replaces aspartic acid 513 with asparagine.
Molecular consequence: missense variant.
Genome position (GRCh38, 1-based): chr17:59,664,802, G>A. VCF-style: chr17-59664802-G-A. GRCh37 (hg19) VCF-style: chr17-57742163-G-A.
Other names: c.1549G>A, p.Asp517Asn (NM_001288653.2); short protein forms D513N, D517N.
Identifiers: ClinVar variation 3678140 (VCV003678140.2).

ClinVar aggregate classification (germline): Uncertain significance (1 of 4 stars; one submission).

Submission:

Labcorp Genetics (formerly Invitae), Labcorp
Classification: Uncertain significance. Last evaluated: 2024-12-27. Review status: criteria provided, single submitter. Criteria: Invitae Variant Classification Sherloc (09022015). Collection method: clinical testing. Allele origin: germline.
Comment: This sequence change replaces aspartic acid, which is acidic and polar, with asparagine, which is neutral and polar, at codon 517 of the CLTC protein (p.Asp517Asn). This variant is not present in population databases (gnomAD no frequency). This missense change has been observed in individual(s) with CLTC-related conditions (internal data). Invitae Evidence Modeling of protein sequence and biophysical properties (such as structural, functional, and spatial information, amino acid conservation, physicochemical variation, residue mobility, and thermodynamic stability) indicates that this missense variant is not expected to disrupt CLTC protein function with a negative predictive value of 80%. In summary, the available evidence is currently insufficient to determine the role of this variant in disease. Therefore, it has been classified as a Variant of Uncertain Significance.